The following is an entry in ClinVar:

NM_017637.6(BNC2):c.2814C>T (p.Pro938=)

Gene: BNC2 (basonuclin zinc finger protein 2; minus strand). Cytogenetic location: 9p22.3.
Variant type: single nucleotide variant.
Coding change: c.2814C>T on transcript NM_017637.6 (MANE Select); coding-DNA position 2814, C replaced by T.
Protein change: p.Pro938=; no amino-acid change (proline 938 retained).
Molecular consequence: synonymous variant. On other transcripts: 3 prime UTR variant (1).
Genome position (GRCh38, 1-based): chr9:16,419,475, G>A on the plus strand (C>T on the coding strand, the complement: BNC2 is on the minus strand). VCF-style: chr9-16419475-G-A. GRCh37 (hg19) VCF-style: chr9-16419473-G-A.
Other names: c.*158C>T (NM_001317939.2); c.2529C>T, p.Pro843= (NM_001317940.2).
Identifiers: ClinVar variation 4750676 (VCV004750676.2).
Genomic context (GRCh38, chr9:16,419,475, plus strand): 5'-CATGTAGTCCTCTGCCATGCCTCTCCCATACCCGTTCAGGTGGGAGTCTTCAGTCCCTGC[G>A]GGAGAGGAGGCGTCTTCCCTGACATCGAGCCCCATGGGGTGCTGGGCACCATATATCTTC-3'
Protein context (NP_060107.3, residues 928-948): GLDVREDASS[Pro938=]AGTEDSHLNG

ClinVar aggregate classification (germline): Likely benign. Review status: criteria provided, multiple submitters, no conflicts (2 of 4 stars). 2 submissions from 2 submitters: Likely benign (2). Last evaluated 2025-10-05.

Conditions:
BNC2-related disorder. Also called: BNC2-related condition.

gnomAD v4.1: 33 of 1,613,956 alleles (0.002%); highest among the groups gnomAD compares: Admixed American, 0.033%; no homozygotes.

Submissions (2):

Labcorp Genetics (formerly Invitae), Labcorp
Classification: Likely benign. Last evaluated: 2025-10-05. Review status: criteria provided, single submitter. Criteria: Invitae Variant Classification Sherloc (09022015). Collection method: clinical testing. Allele origin: germline.

PreventionGenetics, part of Exact Sciences
Classification: Likely benign for BNC2-related condition. Last evaluated: 2025-02-19. Review status: criteria provided, single submitter. Criteria: ACMG Guidelines, 2015. Collection method: clinical testing. Allele origin: germline.
Comment: This variant is classified as likely benign based on ACMG/AMP sequence variant interpretation guidelines (Richards et al. 2015 PMID: 25741868, with internal and published modifications).